The following is an entry in ClinVar:

ClinVar aggregate classification (germline): Uncertain significance (1 of 4 stars; one submission).

Submission:

GeneDx
Classification: Uncertain significance. Last evaluated: 2023-07-28. Review status: criteria provided, single submitter. Criteria: GeneDx Variant Classification Process June 2021. Collection method: clinical testing. Allele origin: germline. Affected: yes.
Comment: Not observed at significant frequency in large population cohorts (gnomAD); In silico analysis supports that this missense variant does not alter protein structure/function; Has not been previously published as pathogenic or benign to our knowledge

NM_015559.3(SETBP1):c.2207C>T (p.Pro736Leu)

Gene: SETBP1 (SET binding protein 1; plus strand). Cytogenetic location: 18q12.3.
Variant type: single nucleotide variant.
Coding change: c.2207C>T on transcript NM_015559.3 (MANE Select); coding-DNA position 2207, C replaced by T.
Protein change: p.Pro736Leu; replaces proline 736 with leucine.
Molecular consequence: missense variant.
Genome position (GRCh38, 1-based): chr18:44,951,547, C>T. VCF-style: chr18-44951547-C-T. GRCh37 (hg19) VCF-style: chr18-42531512-C-T.
Other names: c.2207C>T, p.Pro736Leu (NM_001379141.1, NM_001379142.1, NM_001410862.1); short protein forms P736L.
Identifiers: ClinVar variation 3361558 (VCV003361558.1).